The following is an entry in ClinVar:

NM_012434.5(SLC17A5):c.3del (p.Met1fs)

Genes: SLC17A5 (solute carrier family 17 member 5; minus strand), LOC129996727 (ATAC-STARR-seq lymphoblastoid silent region 17338; plus strand). Cytogenetic location: 6q13.
Variant type: Deletion.
Coding change: c.3del on transcript NM_012434.5 (MANE Select); coding-DNA position 3, one base deleted (G; older notation c.3delG).
Protein change: p.Met1fs; shifts the reading frame from methionine 1.
Molecular consequence: frameshift variant, initiator codon variant. On other transcripts: 5 prime UTR variant (2).
Genome position (GRCh38, 1-based): chr6:73,653,884, C deleted on the plus strand (G on the coding strand, the reverse complement: SLC17A5 is on the minus strand). VCF-style (leftmost placement, unchanged base first): chr6-73653883-TC-T. GRCh37 (hg19) VCF-style: chr6-74363606-TC-T.
Other names: c.-32del (NM_001382629.1, NM_001382636.1); c.3del, p.Met1fs (NM_001382630.1, NM_001382631.1, NM_001382632.1 and 3 more transcripts); short protein forms M1fs.
Identifiers: ClinVar variation 2850562 (VCV002850562.3), dbSNP rs2533550442, ClinGen allele CA2739273244.

ClinVar aggregate classification (germline): Pathogenic (1 of 4 stars; one submission).

Conditions:
Salla disease (SD). Also called: Sialuria, Finnish type; N-acetylneuraminic acid (NANA) storage disease (NSD); Infantile sialic acid storage disorder (ISSD); Less Severe FSASD (Salla Disease). Identifiers: Orphanet 309334, Orphanet 834, MedGen C1096903, MONDO:0011449, OMIM 604369.

Submission:

Labcorp Genetics (formerly Invitae), Labcorp
Classification: Pathogenic for Salla disease. Last evaluated: 2023-03-29. Review status: criteria provided, single submitter. Criteria: Invitae Variant Classification Sherloc (09022015). Collection method: clinical testing. Allele origin: germline.
Comment: This variant disrupts a region of the SLC17A5 protein in which other variant(s) (p.Arg39Cys ) have been determined to be pathogenic (PMID: 10581036, 10947946, 12359136, 12794688, 15510212, 15516337, 18695252, 21781115). This suggests that this is a clinically significant region of the protein, and that variants that disrupt it are likely to be disease-causing. This sequence change affects the initiator methionine of the SLC17A5 mRNA. The next in-frame methionine is located at codon 67. This variant is not present in population databases (gnomAD no frequency). This variant has not been reported in the literature in individuals affected with SLC17A5-related conditions. For these reasons, this variant has been classified as Pathogenic.

Literature cited by the submitters: PubMed 10581036; PubMed 10947946; PubMed 12359136; PubMed 12794688; PubMed 15510212; PubMed 15516337; PubMed 18695252; PubMed 21781115.